The following is an entry in ClinVar:

NM_004104.5(FASN):c.5049C>T (p.Ala1683=)

Gene: FASN (fatty acid synthase; minus strand). Cytogenetic location: 17q25.3.
Variant type: single nucleotide variant.
Coding change: c.5049C>T on transcript NM_004104.5 (MANE Select); coding-DNA position 5049, C replaced by T.
Protein change: p.Ala1683=; no amino-acid change (alanine 1683 retained).
Molecular consequence: synonymous variant.
Genome position (GRCh38, 1-based): chr17:82,084,024, G>A on the plus strand (C>T on the coding strand, the complement: FASN is on the minus strand). VCF-style: chr17-82084024-G-A. GRCh37 (hg19) VCF-style: chr17-80041900-G-A.
Identifiers: ClinVar variation 707463 (VCV000707463.35), dbSNP rs150176506, ClinGen allele CA8851848.

ClinVar aggregate classification (germline): Benign/Likely benign. Review status: criteria provided, multiple submitters, no conflicts (2 of 4 stars). 3 submissions from 3 submitters: Benign (1); Likely benign (2). Last evaluated 2025-03-10.

Conditions:
Epileptic encephalopathy. Identifiers: MedGen C0543888, HP:0200134.

Allele frequency attached by ClinVar (database versions not stated): gnomAD 0.00014 and 0.00016; TOPMed 0.00014; 1000 Genomes Project 30x 0.00016; gnomAD exomes 0.00017 and 0.00031; 1000 Genomes Project 0.00020; ExAC 0.00068.
gnomAD v4.1: 271 of 1,540,138 alleles (0.018%); highest among the groups gnomAD compares: Middle Eastern, 0.17%; 1 homozygote.

Submissions (3):

Labcorp Genetics (formerly Invitae), Labcorp
Classification: Benign for Epileptic encephalopathy. Last evaluated: 2025-03-10. Review status: criteria provided, single submitter. Criteria: Invitae Variant Classification Sherloc (09022015). Collection method: clinical testing. Allele origin: germline.

Blueprint Genetics
Classification: Likely benign. Last evaluated: 2024-09-04. Review status: criteria provided, single submitter. Criteria: ACMG Guidelines, 2015. Collection method: clinical testing. Allele origin: germline.

CeGaT Center for Human Genetics Tuebingen
Classification: Likely benign. Last evaluated: 2022-09-01. Review status: criteria provided, single submitter. Criteria: CeGaT Center For Human Genetics Tuebingen Variant Classification Criteria Version 2. Collection method: clinical testing. Allele origin: germline. Affected: yes. Observed: 1 variant allele.
Comment: FASN: BP4, BP7